The following is an entry in ClinVar:

ClinVar aggregate classification (germline): Pathogenic. Review status: reviewed by expert panel (3 of 4 stars). 4 submissions from 4 submitters: Pathogenic (1). 3 of the submissions do not count toward it. Last evaluated 2017-12-15.

Conditions:
Hereditary cancer-predisposing syndrome. Also called: Hereditary Cancer Syndrome; Neoplastic Syndromes, Hereditary; Hereditary neoplastic syndrome; Tumor predisposition. Identifiers: Orphanet 140162, MedGen C0027672, MeSH D009386, MONDO:0015356.
Hereditary breast ovarian cancer syndrome. Also called: Hereditary breast and ovarian cancer syndrome (HBOC); Breast and ovarian cancer; Hereditary breast and ovarian cancer syndrome; Hereditary breast and ovarian cancer; BRCA1- and BRCA2-Associated Hereditary Breast and Ovarian Cancer; Hereditary breast and/or ovarian cancer syndrome. Identifiers: Orphanet 145, MedGen C0677776, MeSH D061325, MONDO:0003582. Disease mechanism: loss of function.
Breast-ovarian cancer, familial, susceptibility to, 1 (BROVCA1). Also called: BRCA1 Hereditary Breast and Ovarian Cancer; OVARIAN CANCER, SUSCEPTIBILITY TO. Identifiers: Orphanet 145, MedGen C2676676, MONDO:0011450, OMIM 604370. Disease mechanism: loss of function.

Submissions (4):

Evidence-based Network for the Interpretation of Germline Mutant Alleles (ENIGMA)
Classification: Pathogenic for Breast-ovarian cancer, familial, susceptibility to, 1. Last evaluated: 2017-12-15. Review status: reviewed by expert panel. Criteria: ENIGMA BRCA1/2 Classification Criteria (2017-06-29). Collection method: curation. Allele origin: germline. Study: ENIGMA.
Comment: Variant allele predicted to encode a truncated non-functional protein.

GeneDx
Classification: Pathogenic. Last evaluated: 2022-01-17. Review status: criteria provided, single submitter. Criteria: GeneDx Variant Classification Process June 2021. Collection method: clinical testing. Allele origin: germline. Affected: yes. Not counted in ClinVar's aggregate classification.
Comment: Nonsense variant predicted to result in protein truncation or nonsense mediated decay in a gene for which loss-of-function is a known mechanism of disease; Observed in an individual with ovarian cancer (Shi 2017); Not observed at significant frequency in large population cohorts (gnomAD); Truncating variants in this gene are considered pathogenic by a well-established clinical consortium and/or database; Also known as 4489C>A; This variant is associated with the following publications: (PMID: 30702160, 28176296, 31825140)

Ambry Genetics
Classification: Pathogenic for Hereditary cancer-predisposing syndrome. Last evaluated: 2016-03-02. Review status: criteria provided, single submitter. Criteria: Ambry Variant Classification Scheme 2023. Collection method: clinical testing. Allele origin: germline. Not counted in ClinVar's aggregate classification.
Comment: The p.S1457* pathogenic mutation (also known as c.4370C>A), located in coding exon 12 of the BRCA1 gene, results from a C to A substitution at nucleotide position 4370. This changes the amino acid from a serine to a stop codon within coding exon 12. Since premature stop codons are typically deleterious in nature, this alteration is interpreted as a disease-causing mutation (ACMG Recommendations for Standards for Interpretation and Reporting of Sequence Variations. Revision 2007. Genet Med. 2008;10:294).

Labcorp Genetics (formerly Invitae), Labcorp
Classification: Pathogenic for Hereditary breast ovarian cancer syndrome. Last evaluated: 2015-11-20. Review status: criteria provided, single submitter. Criteria: Invitae Variant Classification Sherloc (09022015). Collection method: clinical testing. Allele origin: germline. Not counted in ClinVar's aggregate classification.
Comment: This sequence change creates a premature translational stop signal at codon 1457 (p.Ser1457*). It is expected to result in an absent or disrupted protein product. While this particular variant has not been reported in the literature, truncating variants in BRCA1 are known to be pathogenic (PMID: 20104584). For these reasons, this variant has been classified as Pathogenic.

Literature cited by the submitters: PubMed 20104584 (cited by Labcorp Genetics (formerly Invitae), Labcorp).

NM_007294.4(BRCA1):c.4370C>A (p.Ser1457Ter)

Gene: BRCA1 (BRCA1 DNA repair associated; minus strand). Cytogenetic location: 17q21.31.
Variant type: single nucleotide variant.
Coding change: c.4370C>A on transcript NM_007294.4 (MANE Select); coding-DNA position 4370, C replaced by A.
Protein change: p.Ser1457Ter; replaces serine 1457 with a stop codon.
Molecular consequence: nonsense. On other transcripts: non-coding transcript variant (1).
Genome position (GRCh38, 1-based): chr17:43,076,602, G>T on the plus strand (C>A on the coding strand, the complement: BRCA1 is on the minus strand). VCF-style: chr17-43076602-G-T. GRCh37 (hg19) VCF-style: chr17-41228619-G-T.
Other names: c.4157C>A, p.Ser1386Ter (NM_001407571.1, NM_001407894.1, NM_001407895.1 and 12 more transcripts); c.4436C>A, p.Ser1479Ter (NM_001407581.1, NM_001407582.1); c.4433C>A, p.Ser1478Ter (NM_001407583.1, NM_001407585.1, NM_001407587.1 and 1 more transcripts); c.4430C>A, p.Ser1477Ter (NM_001407590.1, NM_001407591.1); c.4370C>A, p.Ser1457Ter (NM_001407593.1, NM_001407594.1, NM_001407596.1 and 8 more transcripts); c.4367C>A, p.Ser1456Ter (NM_001407610.1, NM_001407611.1, NM_001407612.1 and 17 more transcripts); c.4364C>A, p.Ser1455Ter (NM_001407627.1, NM_001407628.1, NM_001407629.1 and 14 more transcripts); c.4361C>A, p.Ser1454Ter (NM_001407644.1, NM_001407645.1); and 68 more; short protein forms S1457*, S1478*, S1410*, S353*, S1161*, S1330*, S1346*, S1385*.
Identifiers: ClinVar variation 240803 (VCV000240803.17), dbSNP rs80357130, ClinGen allele CA10583560.
Genomic context (GRCh38, chr17:43,076,602, plus strand): 5'-AACTTGTCAGCAGAAAGGCCTTCTGGATTCTGGCTTATAGGGTATTCACTACTTTTCTGT[G>T]AAGTTAATACTGCTTTAAATGGAATGAGAAAACAAATCTACTTTACTGCTTTGTTCTGAT-3'